The following is an entry in ClinVar:

NM_014712.3(SETD1A):c.4929A>C (p.Arg1643Ser)

Gene: SETD1A (SET domain containing 1A, histone lysine methyltransferase; plus strand). Cytogenetic location: 16p11.2.
Variant type: single nucleotide variant.
Coding change: c.4929A>C on transcript NM_014712.3 (MANE Select); coding-DNA position 4929, A replaced by C.
Protein change: p.Arg1643Ser; replaces arginine 1643 with serine.
Molecular consequence: missense variant.
Genome position (GRCh38, 1-based): chr16:30,983,751, A>C. VCF-style: chr16-30983751-A-C. GRCh37 (hg19) VCF-style: chr16-30995072-A-C.
Other names: short protein forms R1643S.
Identifiers: ClinVar variation 3765932 (VCV003765932.1).

ClinVar aggregate classification (germline): Uncertain significance (1 of 4 stars; one submission).

Submission:

GeneDx
Classification: Uncertain significance. Last evaluated: 2024-08-28. Review status: criteria provided, single submitter. Criteria: GeneDx Variant Classification Process June 2021. Collection method: clinical testing. Allele origin: germline. Affected: yes.
Comment: Not observed at significant frequency in large population cohorts (gnomAD); In silico analysis supports that this missense variant has a deleterious effect on protein structure/function; Has not been previously published as pathogenic or benign to our knowledge